The following is an entry in ClinVar:

NM_004655.4(AXIN2):c.1864T>C (p.Trp622Arg)

Gene: AXIN2 (axin 2; minus strand). Cytogenetic location: 17q24.1.
Variant type: single nucleotide variant.
Coding change: c.1864T>C on transcript NM_004655.4 (MANE Select); coding-DNA position 1864, T replaced by C.
Protein change: p.Trp622Arg; replaces tryptophan 622 with arginine.
Molecular consequence: missense variant. On other transcripts: intron variant (1).
Genome position (GRCh38, 1-based): chr17:65,536,912, A>G on the plus strand (T>C on the coding strand, the complement: AXIN2 is on the minus strand). VCF-style: chr17-65536912-A-G. GRCh37 (hg19) VCF-style: chr17-63533030-A-G.
Other names: c.1713-359T>C (NM_001363813.1); short protein forms W622R.
Identifiers: ClinVar variation 4843060 (VCV004843060.1).
Genomic context (GRCh38, chr17:65,536,912, plus strand): 5'-CGGCAAGCGGTGTTTACCTATGGGGCTTGGGCTTGCTCTGCCGCTCACTCTCCAGCATCC[A>G]CTGCCAGACATCCTGCGACCTGTCTCCTTCCTCCCGGGGAAGCTGCAGGGCCCCAGCTCC-3'
Protein context (NP_004646.3, residues 612-632): EGDRSQDVWQ[Trp622Arg]MLESERQSKP

ClinVar aggregate classification (germline): Uncertain significance (1 of 4 stars; one submission).

Conditions:
Hereditary cancer-predisposing syndrome. Also called: Neoplastic Syndromes, Hereditary; Tumor predisposition; Hereditary Cancer Syndrome; Hereditary neoplastic syndrome. Identifiers: Orphanet 140162, MedGen C0027672, MeSH D009386, MONDO:0015356.

Submission:

Ambry Genetics
Classification: Uncertain significance for Hereditary cancer-predisposing syndrome. Last evaluated: 2026-01-13. Review status: criteria provided, single submitter. Criteria: Ambry Variant Classification Scheme 2023. Collection method: clinical testing. Allele origin: germline.
Comment: The p.W622R variant (also known as c.1864T>C), located in coding exon 6 of the AXIN2 gene, results from a T to C substitution at nucleotide position 1864. The tryptophan at codon 622 is replaced by arginine, an amino acid with dissimilar properties. This amino acid position is conserved. In addition, this alteration is predicted to be deleterious by in silico analysis. Based on the available evidence, the clinical significance of this variant remains unclear.